The following is an entry in ClinVar:

NM_144999.4(LRRC45):c.1578G>C (p.Gln526His)

Gene: LRRC45 (leucine rich repeat containing 45; plus strand). Cytogenetic location: 17q25.3.
Variant type: single nucleotide variant.
Coding change: c.1578G>C on transcript NM_144999.4 (MANE Select); coding-DNA position 1578, G replaced by C.
Protein change: p.Gln526His; replaces glutamine 526 with histidine.
Molecular consequence: missense variant.
Genome position (GRCh38, 1-based): chr17:82,030,148, G>C. VCF-style: chr17-82030148-G-C. GRCh37 (hg19) VCF-style: chr17-79988024-G-C.
Other names: c.1578G>C (NM_144999.3); short protein forms Q526H.
Identifiers: ClinVar variation 2381293 (VCV002381293.4), dbSNP rs746663796, ClinGen allele CA8848130.

ClinVar aggregate classification (germline): Uncertain significance. Review status: criteria provided, multiple submitters, no conflicts (2 of 4 stars). 2 submissions from 2 submitters: Uncertain significance (2). Last evaluated 2026-05-29.

Conditions:
LRRC45-related disorder. Also called: LRRC45-related condition.

Allele frequency attached by ClinVar (database versions not stated): gnomAD 0.00002; TOPMed 0.00006.
gnomAD v4.1: 29 of 1,547,874 alleles (0.0019%); highest among the groups gnomAD compares: Admixed American, 0.051%; no homozygotes.

Submissions (2):

PreventionGenetics, part of Exact Sciences
Classification: Uncertain significance for LRRC45-related condition. Last evaluated: 2026-05-29. Review status: criteria provided, single submitter. Criteria: ACMG Guidelines, 2015. Collection method: clinical testing. Allele origin: germline.
Comment: The LRRC45 c.1578G>C variant is predicted to result in the amino acid substitution p.Gln526His. To our knowledge, this variant has not been reported in the literature. This variant is reported in 0.079% of alleles in individuals of Latino descent in gnomAD, which may be too common to be a primary cause of disease. Although we suspect this variant may be benign, at this time, the clinical significance of this variant is uncertain due to the absence of conclusive functional and genetic evidence.

Ambry Genetics
Classification: Uncertain significance. Last evaluated: 2022-09-06. Review status: criteria provided, single submitter. Criteria: Ambry Variant Classification Scheme 2023. Collection method: clinical testing. Allele origin: germline.